The following is an entry in ClinVar:

ClinVar aggregate classification (germline): Conflicting classifications of pathogenicity. Review status: criteria provided, conflicting classifications (1 of 4 stars). 2 submissions from 2 submitters: Pathogenic (1); Uncertain significance (1). Last evaluated 2026-08-06.

Conditions:
Muscular dystrophy-dystroglycanopathy (congenital with brain and eye anomalies), type a, 12 (MDDGA12). Also called: WALKER-WARBURG SYNDROME OR MUSCLE-EYE-BRAIN DISEASE, POMK-RELATED. Identifiers: Orphanet 899, MedGen C3808964, MONDO:0014101, OMIM 615249.
Limb-girdle muscular dystrophy due to POMK deficiency. Also called: Muscular dystrophy-dystroglycanopathy (limb-girdle), type c, 12; MUSCULAR DYSTROPHY-DYSTROGLYCANOPATHY, LIMB-GIRDLE, POMK-RELATED. Identifiers: Orphanet 445110, MedGen C4015184, MONDO:0014489, OMIM 616094.

Submissions (2):

OLLIN Analises Genomicas, OLLIN
Classification: Uncertain significance for Muscular dystrophy-dystroglycanopathy (congenital with brain and eye anomalies), type a, 12. Last evaluated: 2026-08-06. Review status: criteria provided, single submitter. Criteria: ACMG Guidelines 2015 PMID 25741868. Collection method: clinical testing. Allele origin: germline.
Comment: This nonsense variant, located in exon 4 (of 5), is absent from gnomAD and has not been identified in the literature. However, it has been reported in ClinVar (accession VCV002002655.4). This variant introduces a premature stop codon, which is predicted to result in either a truncated protein or degradation of the mRNA via nonsense-mediated decay (NMD). According to the currently available evidence, this variant has been classified as uncertain significance (PVS1_S, PM2_P).

Labcorp Genetics (formerly Invitae), Labcorp
Classification: Pathogenic for Muscular dystrophy-dystroglycanopathy (congenital with brain and eye anomalies), type a, 12; Limb-girdle muscular dystrophy due to POMK deficiency. Last evaluated: 2022-06-07. Review status: criteria provided, single submitter. Criteria: Invitae Variant Classification Sherloc (09022015). Collection method: clinical testing. Allele origin: germline.
Comment: For these reasons, this variant has been classified as Pathogenic. This variant disrupts a region of the POMK protein in which other variant(s) (p.Arg303*) have been determined to be pathogenic (Invitae). This suggests that this is a clinically significant region of the protein, and that variants that disrupt it are likely to be disease-causing. Algorithms developed to predict the effect of sequence changes on RNA splicing suggest that this variant may disrupt the consensus splice site. This variant has not been reported in the literature in individuals affected with POMK-related conditions. This variant is not present in population databases (gnomAD no frequency). This sequence change creates a premature translational stop signal (p.Arg94*) in the POMK gene. While this is not anticipated to result in nonsense mediated decay, it is expected to disrupt the last 257 amino acid(s) of the POMK protein.

NM_032237.5(POMK):c.280A>T (p.Arg94Ter)

Gene: POMK (protein O-mannose kinase; plus strand). Cytogenetic location: 8p11.21.
Variant type: single nucleotide variant.
Coding change: c.280A>T on transcript NM_032237.5 (MANE Select); coding-DNA position 280, A replaced by T.
Protein change: p.Arg94Ter; replaces arginine 94 with a stop codon.
Molecular consequence: nonsense.
Genome position (GRCh38, 1-based): chr8:43,103,828, A>T. VCF-style: chr8-43103828-A-T. GRCh37 (hg19) VCF-style: chr8-42958971-A-T.
Other names: c.280A>T, p.Arg94Ter (NM_001277971.2); short protein forms R94*.
Identifiers: ClinVar variation 2002655 (VCV002002655.5), dbSNP rs2486756300, ClinGen allele CA371117907.